The following is an entry in ClinVar:

NM_182699.4(DDX53):c.802A>T (p.Thr268Ser)

Genes: DDX53 (DEAD-box helicase 53; plus strand), PTCHD1-AS (PTCHD1 and PHEX antisense RNA; minus strand). Cytogenetic location: Xp22.11.
Variant type: single nucleotide variant.
Coding change: c.802A>T on transcript NM_182699.4 (MANE Select); coding-DNA position 802, A replaced by T.
Protein change: p.Thr268Ser; replaces threonine 268 with serine.
Molecular consequence: missense variant.
Genome position (GRCh38, 1-based): chrX:23,000,859, A>T. VCF-style: chrX-23000859-A-T. GRCh37 (hg19) VCF-style: chrX-23018976-A-T.
Other names: short protein forms T268S.
Identifiers: ClinVar variation 4975480 (VCV004975480.1).

ClinVar aggregate classification (germline): Uncertain significance (1 of 4 stars; one submission).

Submission:

GeneDx
Classification: Uncertain significance. Last evaluated: 2026-01-26. Review status: criteria provided, single submitter. Criteria: GeneDx Variant Classification Process June 2021. Collection method: clinical testing. Allele origin: germline.
Comment: Not observed at significant frequency in large population cohorts (gnomAD); In silico analysis supports that this missense variant has a deleterious effect on protein structure/function; Has not been previously published as pathogenic or benign to our knowledge